The following is an entry in ClinVar:

ClinVar aggregate classification (germline): Uncertain significance. Review status: criteria provided, multiple submitters, no conflicts (2 of 4 stars). 2 submissions from 2 submitters: Uncertain significance (2). Last evaluated 2021-09-01.

Conditions:
Multiple gastrointestinal atresias. Also called: FAMILIAL INTESTINAL POLYATRESIA SYNDROME; Multiple intestinal atresia. Identifiers: Orphanet 2300, MedGen C0220744, MONDO:0009465.
Gastrointestinal defects and immunodeficiency syndrome 1 (GIDID1). Also called: Combined immunodeficiency-enteropathy spectrum. Identifiers: Orphanet 436252, MedGen C5968858, MONDO:0800030, OMIM 243150.

Allele frequency attached by ClinVar (database versions not stated): gnomAD 0.00003 and 0.00004; ExAC 0.00008; gnomAD exomes 0.00002 and 0.00010; TOPMed 0.00008; 1000 Genomes Project 30x 0.00031; 1000 Genomes Project 0.00040.
gnomAD v4.1: 38 of 1,610,630 alleles (0.0024%); highest among the groups gnomAD compares: East Asian, 0.065%; no homozygotes.

Submissions (2):

Labcorp Genetics (formerly Invitae), Labcorp
Classification: Uncertain significance for Multiple gastrointestinal atresias. Last evaluated: 2021-09-01. Review status: criteria provided, single submitter. Criteria: Invitae Variant Classification Sherloc (09022015). Collection method: clinical testing. Allele origin: germline.
Comment: This sequence change falls in intron 9 of the TTC7A gene. It does not directly change the encoded amino acid sequence of the TTC7A protein. It affects a nucleotide within the consensus splice site of the intron. This variant is present in population databases (rs545951536, ExAC 0.1%). This variant has not been reported in the literature in individuals affected with TTC7A-related conditions. Variants that disrupt the consensus splice site are a relatively common cause of aberrant splicing (PMID: 17576681, 9536098). Algorithms developed to predict the effect of sequence changes on RNA splicing suggest that this variant may disrupt the consensus splice site. In summary, the available evidence is currently insufficient to determine the role of this variant in disease. Therefore, it has been classified as a Variant of Uncertain Significance.

Juno Genomics, Hangzhou Juno Genomics, Inc
Classification: Uncertain significance for Gastrointestinal defects and immunodeficiency syndrome 1. Review status: criteria provided, single submitter. Criteria: ACMG Guidelines, 2015. Collection method: clinical testing. Allele origin: germline.
Comment: Absent from controls (or at extremely low frequency if recessive) in Genome Aggregation Database.;Multiple lines of computational evidence support a deleterious effect on the gene or gene product.

Literature cited by the submitters: PubMed 17576681 (cited by Labcorp Genetics (formerly Invitae), Labcorp); PubMed 9536098 (cited by Labcorp Genetics (formerly Invitae), Labcorp).

NM_020458.4(TTC7A):c.1203+3A>G

Gene: TTC7A (tetratricopeptide repeat domain 7A; plus strand). Cytogenetic location: 2p21.
Variant type: single nucleotide variant.
Coding change: c.1203+3A>G on transcript NM_020458.4 (MANE Select); 3 bases into the intron after coding-DNA position 1203, A replaced by G.
Molecular consequence: intron variant.
Genome position (GRCh38, 1-based): chr2:47,006,062, A>G. VCF-style: chr2-47006062-A-G. GRCh37 (hg19) VCF-style: chr2-47233201-A-G.
Other names: c.1101+3A>G (NM_001288953.2); c.1203+3A>G (NM_001288951.2); c.141+3A>G (NM_001288955.2).
Identifiers: ClinVar variation 939311 (VCV000939311.9), dbSNP rs545951536, ClinGen allele CA1647533.